The following is an entry in ClinVar:

ClinVar aggregate classification (germline): Conflicting classifications of pathogenicity. Review status: criteria provided, conflicting classifications (1 of 4 stars). 3 submissions from 3 submitters: Likely pathogenic (1); Uncertain significance (2). Last evaluated 2024-09-16.

Conditions:
Hereditary cancer-predisposing syndrome. Also called: Neoplastic Syndromes, Hereditary; Tumor predisposition; Hereditary Cancer Syndrome; Hereditary neoplastic syndrome. Identifiers: Orphanet 140162, MedGen C0027672, MeSH D009386, MONDO:0015356.
Ataxia-telangiectasia syndrome (AT). Also called: ATAXIA-TELANGIECTASIA, COMPLEMENTATION GROUP A; ATAXIA-TELANGIECTASIA, FRESNO VARIANT; Ataxia-telangiectasia; Ataxia-telangiectasia, complementation group D; AT, COMPLEMENTATION GROUP C; Ataxia-telangiectasia, complementation group E. Identifiers: Orphanet 100, MedGen C0004135, MONDO:0008840, OMIM 208900.

Allele frequency attached by ClinVar (database versions not stated): gnomAD exomes below 0.00001 and 0.00001; TOPMed below 0.00001.
gnomAD v4.1: 1 of 1,614,018 alleles (0.000062%); highest among the groups gnomAD compares: African/African-American, 0.0013%; no homozygotes.

Submissions (3):

Ambry Genetics
Classification: Uncertain significance for Hereditary cancer-predisposing syndrome. Last evaluated: 2024-09-16. Review status: criteria provided, single submitter. Criteria: Ambry Variant Classification Scheme 2023. Collection method: clinical testing. Allele origin: germline.
Comment: The p.L1322P variant (also known as c.3965T>C), located in coding exon 25 of the ATM gene, results from a T to C substitution at nucleotide position 3965. The leucine at codon 1322 is replaced by proline, an amino acid with similar properties. This amino acid position is highly conserved in available vertebrate species. In addition, this alteration is predicted to be deleterious by in silico analysis. Based on the available evidence, the clinical significance of this variant remains unclear.

Labcorp Genetics (formerly Invitae), Labcorp
Classification: Uncertain significance for Ataxia-telangiectasia syndrome. Last evaluated: 2020-12-04. Review status: criteria provided, single submitter. Criteria: Invitae Variant Classification Sherloc (09022015). Collection method: clinical testing. Allele origin: germline.
Comment: In summary, the available evidence is currently insufficient to determine the role of this variant in disease. Therefore, it has been classified as a Variant of Uncertain Significance. Algorithms developed to predict the effect of missense changes on protein structure and function (SIFT, PolyPhen-2, Align-GVGD) all suggest that this variant is likely to be disruptive, but these predictions have not been confirmed by published functional studies and their clinical significance is uncertain. This variant has not been reported in the literature in individuals with ATM-related disease. This variant is not present in population databases (ExAC no frequency). This sequence change replaces leucine with proline at codon 1322 of the ATM protein (p.Leu1322Pro). The leucine residue is highly conserved and there is a moderate physicochemical difference between leucine and proline.

Suma Genomics
Classification: Likely pathogenic for Ataxia-telangiectasia syndrome. Review status: criteria provided, single submitter. Criteria: ACMG Guidelines, 2015. Collection method: clinical testing. Allele origin: inherited. Inheritance: Autosomal recessive inheritance. Affected: yes.

NM_000051.4(ATM):c.3965T>C (p.Leu1322Pro)

Gene: ATM (ATM serine/threonine kinase; plus strand). Cytogenetic location: 11q22.3.
Variant type: single nucleotide variant.
Coding change: c.3965T>C on transcript NM_000051.4 (MANE Select); coding-DNA position 3965, T replaced by C.
Protein change: p.Leu1322Pro; replaces leucine 1322 with proline.
Molecular consequence: missense variant.
Genome position (GRCh38, 1-based): chr11:108,284,445, T>C. VCF-style: chr11-108284445-T-C. GRCh37 (hg19) VCF-style: chr11-108155172-T-C.
Other names: c.3965T>C, p.Leu1322Pro (NM_001351834.2); short protein forms L1322P.
Identifiers: ClinVar variation 524340 (VCV000524340.15), dbSNP rs786203306, ClinGen allele CA382526111.
Genomic context (GRCh38, chr11:108,284,445, plus strand): 5'-GTACCAGAGACAGTGGGATGGCACAGCAAAGAGAGACTGCTACCAAGGTCTATGATATGC[T>C]TAAAAGTGAAAACTTATTGGGAAAACAGGTATGGCTTCAATTTTTATGTACTTTTCATTC-3'
Protein context (NP_000042.3, residues 1312-1332): RETATKVYDM[Leu1322Pro]KSENLLGKQI